The following is an entry in ClinVar:

NM_006206.6(PDGFRA):c.473C>T (p.Pro158Leu)

Gene: PDGFRA (platelet derived growth factor receptor alpha; plus strand). Cytogenetic location: 4q12.
Variant type: single nucleotide variant.
Coding change: c.473C>T on transcript NM_006206.6 (MANE Select); coding-DNA position 473, C replaced by T.
Protein change: p.Pro158Leu; replaces proline 158 with leucine.
Molecular consequence: missense variant.
Genome position (GRCh38, 1-based): chr4:54,263,772, C>T. VCF-style: chr4-54263772-C-T. GRCh37 (hg19) VCF-style: chr4-55129939-C-T.
Other names: c.473C>T, p.Pro158Leu (NM_001347829.2, NM_001347827.2); c.512C>T, p.Pro171Leu (NM_001347830.2); c.548C>T, p.Pro183Leu (NM_001347828.2); short protein forms P183L, P171L, P158L.
Identifiers: ClinVar variation 5026447 (VCV005026447.1).
Genomic context (GRCh38, chr4:54,263,772, plus strand): 5'-TCATCGTGGAGGATGATGATTCTGCCATTATACCTTGTCGCACAACTGATCCCGAGACTC[C>T]TGTAACCTTACACAACAGTGAGGGGGTGGTACCTGCCTCCTACGACAGCAGACAGGGCTT-3'
Protein context (NP_006197.1, residues 148-168): IPCRTTDPET[Pro158Leu]VTLHNSEGVV

ClinVar aggregate classification (germline): Uncertain significance (1 of 4 stars; one submission).

Conditions:
Hereditary cancer-predisposing syndrome. Also called: Neoplastic Syndromes, Hereditary; Tumor predisposition; Hereditary neoplastic syndrome; Hereditary Cancer Syndrome. Identifiers: Orphanet 140162, MedGen C0027672, MeSH D009386, MONDO:0015356.

Submission:

Ambry Genetics
Classification: Uncertain significance for Hereditary cancer-predisposing syndrome. Last evaluated: 2026-08-09. Review status: criteria provided, single submitter. Criteria: Ambry Variant Classification Scheme 2023. Collection method: clinical testing. Allele origin: germline.
Comment: The p.P158L variant (also known as c.473C>T), located in coding exon 3 of the PDGFRA gene, results from a C to T substitution at nucleotide position 473. The proline at codon 158 is replaced by leucine, an amino acid with similar properties. This amino acid position is conserved. In addition, this alteration is predicted to be tolerated by in silico analysis. Based on the available evidence, the clinical significance of this variant remains unclear.